The following is an entry in ClinVar:

ClinVar aggregate classification (germline): Benign (1 of 4 stars; one submission).

Conditions:
Melanoma, cutaneous malignant, susceptibility to, 3. Also called: Cutaneous malignant melanoma 3. Identifiers: Orphanet 618, MedGen C1836892, MONDO:0012183, OMIM 609048.

Submission:

Myriad Genetics, Inc.
Classification: Benign for Melanoma, cutaneous malignant, susceptibility to, 3. Last evaluated: 2024-09-26. Review status: criteria provided, single submitter. Criteria: Myriad Autosomal Dominant, Autosomal Recessive and X-Linked Classification Criteria (2023). Collection method: clinical testing. Allele origin: unknown.
Comment: This variant is considered benign. This variant is a silent/synonymous amino acid change and it is not expected to impact splicing.

NM_000075.4(CDK4):c.807A>G (p.Ala269=)

Genes: CDK4 (cyclin dependent kinase 4; minus strand), TSPAN31 (tetraspanin 31; plus strand). Cytogenetic location: 12q14.1.
Variant type: single nucleotide variant.
Coding change: c.807A>G on transcript NM_000075.4 (MANE Select); coding-DNA position 807, A replaced by G.
Protein change: p.Ala269=; no amino-acid change (alanine 269 retained).
Molecular consequence: synonymous variant. On other transcripts: 3 prime UTR variant (3).
Genome position (GRCh38, 1-based): chr12:57,749,194, T>C on the plus strand (A>G on the coding strand, the complement: CDK4 is on the minus strand). VCF-style: chr12-57749194-T-C. GRCh37 (hg19) VCF-style: chr12-58142977-T-C.
Other names: c.*1904T>C (NM_001330168.2, NM_001330169.2, NM_005981.5).
Identifiers: ClinVar variation 3378621 (VCV003378621.1).